The following is an entry in ClinVar:

NM_012200.4(B3GAT3):c.466C>T (p.Arg156Cys)

Gene: B3GAT3 (beta-1,3-glucuronyltransferase 3; minus strand). Cytogenetic location: 11q12.3.
Variant type: single nucleotide variant.
Coding change: c.466C>T on transcript NM_012200.4 (MANE Select); coding-DNA position 466, C replaced by T.
Protein change: p.Arg156Cys; replaces arginine 156 with cysteine.
Molecular consequence: missense variant. On other transcripts: non-coding transcript variant (1).
Genome position (GRCh38, 1-based): chr11:62,617,139, G>A on the plus strand (C>T on the coding strand, the complement: B3GAT3 is on the minus strand). VCF-style: chr11-62617139-G-A. GRCh37 (hg19) VCF-style: chr11-62384611-G-A.
Other names: p.Arg156Cys; c.445C>T, p.Arg149Cys (NM_001288721.2); c.466C>T, p.Arg156Cys (NM_001288722.2, NM_001288723.2); short protein forms R156C, R149C.
Identifiers: ClinVar variation 2059116 (VCV002059116.3), dbSNP rs267603076, ClinGen allele CA6050110.
Genomic context (GRCh38, chr11:62,617,139, plus strand): 5'-CCACAGCACCCCCTCTGCCCCGGAGCCAGTCCAGGGCCTTGTTCCGCTGCTCGACACCAC[G>A]GGGATGAACCCAGCCAGGCTCGCCCTCCCGAAGCCGCTGGGCTTTGGGCGTGAGGACCAC-3'
Protein context (NP_036332.2, residues 146-166): REGEPGWVHP[Arg156Cys]GVEQRNKALD

ClinVar aggregate classification (germline): Uncertain significance. Review status: criteria provided, multiple submitters, no conflicts (2 of 4 stars). 3 submissions from 3 submitters: Uncertain significance (3). Last evaluated 2025-07-23.

Conditions:
Larsen-like syndrome, B3GAT3 type. Also called: Multiple joint dislocations, short stature, craniofacial dysmorphism, with or without congenital heart defects; MULTIPLE JOINT DISLOCATIONS, SHORT STATURE, AND CRANIOFACIAL DYSMORPHISM WITH OR WITHOUT CONGENITAL HEART DEFECTS. Identifiers: Orphanet 284139, MedGen CN034159, MONDO:0009511, OMIM 245600.

Allele frequency attached by ClinVar (database versions not stated): ExAC 0.00002; gnomAD exomes 0.00002; TOPMed 0.00003; gnomAD 0.00004.

Submissions (3):

Mayo Clinic Laboratories, Mayo Clinic
Classification: Uncertain significance. Last evaluated: 2025-07-23. Review status: criteria provided, single submitter. Criteria: ACMG Guidelines, 2015. Collection method: clinical testing. Allele origin: germline. Observed: 1 variant allele.
Comment: PP3_moderate

GeneDx
Classification: Uncertain significance. Last evaluated: 2022-12-20. Review status: criteria provided, single submitter. Criteria: GeneDx Variant Classification Process June 2021. Collection method: clinical testing. Allele origin: germline. Affected: yes.
Comment: Not observed at significant frequency in large population cohorts (gnomAD); In silico analysis supports that this missense variant has a deleterious effect on protein structure/function; Has not been previously published as pathogenic or benign to our knowledge

Labcorp Genetics (formerly Invitae), Labcorp
Classification: Uncertain significance for Larsen-like syndrome, B3GAT3 type. Last evaluated: 2022-06-23. Review status: criteria provided, single submitter. Criteria: Invitae Variant Classification Sherloc (09022015). Collection method: clinical testing. Allele origin: germline.
Comment: This sequence change replaces arginine, which is basic and polar, with cysteine, which is neutral and slightly polar, at codon 156 of the B3GAT3 protein (p.Arg156Cys). This variant is present in population databases (rs267603076, gnomAD 0.01%). This variant has not been reported in the literature in individuals affected with B3GAT3-related conditions. Algorithms developed to predict the effect of missense changes on protein structure and function (SIFT, PolyPhen-2, Align-GVGD) all suggest that this variant is likely to be disruptive. In summary, the available evidence is currently insufficient to determine the role of this variant in disease. Therefore, it has been classified as a Variant of Uncertain Significance.